The following is an entry in ClinVar:

ClinVar aggregate classification (germline): Likely pathogenic (1 of 4 stars; one submission).

Conditions:
Sponastrime dysplasia. Also called: SPONDYLAR AND NASAL ALTERATIONS WITH STRIATED METAPHYSES. Identifiers: Orphanet 93357, MedGen C1300260, MONDO:0010068, OMIM 271510.

Submission:

Juno Genomics, Hangzhou Juno Genomics, Inc
Classification: Likely pathogenic for Sponastrime dysplasia. Review status: criteria provided, single submitter. Criteria: ACMG Guidelines, 2015. Collection method: clinical testing. Allele origin: germline.
Comment: Null variant in a gene where loss of function (LOF) is a known mechanism of disease.;Absent from controls (or at extremely low frequency if recessive) in Genome Aggregation Database.

NM_013432.5(TONSL):c.2179_2189del (p.Met727fs)

Genes: TONSL (tonsoku like, DNA repair protein; minus strand), TONSL-AS1 (TONSL antisense RNA 1; plus strand). Cytogenetic location: 8q24.3.
Variant type: Deletion.
Coding change: c.2179_2189del on transcript NM_013432.5 (MANE Select); coding-DNA positions 2179 to 2189, 11 bases deleted (ATGGCCAGGCC).
Protein change: p.Met727fs; shifts the reading frame from methionine 727.
Molecular consequence: frameshift variant.
Genome position (GRCh38, 1-based): chr8:144,436,244-144,436,254, GGCCTGGCCAT deleted on the plus strand (ATGGCCAGGCC on the coding strand, the reverse complement: TONSL is on the minus strand); deleting any 11 consecutive bases within chr8:144,436,244-144,436,257 gives the same sequence; the c. name uses the placement nearest the transcript's 3' end. VCF-style (leftmost placement, unchanged base first): chr8-144436243-AGGCCTGGCCAT-A. GRCh37 (hg19) VCF-style: chr8-145661626-AGGCCTGGCCAT-A.
Other names: short protein forms M727fs.
Identifiers: ClinVar variation 5007287 (VCV005007287.2).
Genomic context (GRCh38, chr8:144,436,243, plus strand): 5'-TGCGCTGTCCTCGCCTTCTGAGCTGCTGCTGCTGCTGGCTGGCCCATGCCTGCTCCTCCG[AGGCCTGGCCAT>A]GGCTGGTGCCGCCTGCCCTGGGGAGACCCTGACATGGGCCTGAGAGGCCTCTGGGAGTCT-3'